The following is an entry in ClinVar:

ClinVar aggregate classification (germline): Uncertain significance (1 of 4 stars; one submission).

gnomAD v4.1: 3 of 1,565,706 alleles (0.00019%); no homozygotes.

Submission:

Quest Diagnostics Nichols Institute San Juan Capistrano
Classification: Uncertain significance. Last evaluated: 2024-01-16. Review status: criteria provided, single submitter. Criteria: Quest Diagnostics criteria. Collection method: clinical testing. Allele origin: unknown.
Comment: The VWF c.3139C>T (p.His1047Tyr) variant has not been reported in individuals with VWF-related conditions in the published literature. The frequency of this variant in the general population, 0.0000099 (2/202380 chromosomes (Genome Aggregation Database)), is uninformative in the assessment of its pathogenicity. Analysis of this variant using bioinformatics tools for the prediction of the effect of amino acid changes on protein structure and function yielded predictions that this variant is benign. Based on the available information, we are unable to determine the clinical significance of this variant.

NM_000552.5(VWF):c.3139C>T (p.His1047Tyr)

Gene: VWF (von Willebrand factor; minus strand). Cytogenetic location: 12p13.31.
Variant type: single nucleotide variant.
Coding change: c.3139C>T on transcript NM_000552.5 (MANE Select); coding-DNA position 3139, C replaced by T.
Protein change: p.His1047Tyr; replaces histidine 1047 with tyrosine.
Molecular consequence: missense variant.
Genome position (GRCh38, 1-based): chr12:6,025,663, G>A on the plus strand (C>T on the coding strand, the complement: VWF is on the minus strand). VCF-style: chr12-6025663-G-A. GRCh37 (hg19) VCF-style: chr12-6134829-G-A.
Other names: short protein forms H1047Y.
Identifiers: ClinVar variation 3572161 (VCV003572161.1).